The following is an entry in ClinVar:

NM_004006.3(DMD):c.4811C>G (p.Pro1604Arg)

Gene: DMD (dystrophin; minus strand). Cytogenetic location: Xp21.1.
Variant type: single nucleotide variant.
Coding change: c.4811C>G on transcript NM_004006.3 (MANE Select); coding-DNA position 4811, C replaced by G.
Protein change: p.Pro1604Arg; replaces proline 1604 with arginine.
Molecular consequence: missense variant.
Genome position (GRCh38, 1-based): chrX:32,380,544, G>C on the plus strand (C>G on the coding strand, the complement: DMD is on the minus strand). VCF-style: chrX-32380544-G-C. GRCh37 (hg19) VCF-style: chrX-32398661-G-C.
Other names: c.4787C>G, p.Pro1596Arg (NM_000109.4); c.4799C>G, p.Pro1600Arg (NM_004009.3); c.4442C>G, p.Pro1481Arg (NM_004010.3); c.788C>G, p.Pro263Arg (NM_004011.4); c.779C>G, p.Pro260Arg (NM_004012.4); short protein forms P1604R, P1481R, P1596R, P1600R, P260R, P263R.
Identifiers: ClinVar variation 196896 (VCV000196896.10), dbSNP rs747218608, ClinGen allele CA244682.
Genomic context (GRCh38, chrX:32,380,544, plus strand): 5'-ATAACCTTCAGTGATATAGGTTTTACCTTTCCCCAGGCAACTTCAGAATCCAAATTACTA[G>C]GCATTCCTTCAACTGCTGATCTCTTTGTCAATTCCATATCTGTAGCTGCCAGCCATTCTG-3'
Protein context (NP_003997.2, residues 1594-1614): LTKRSAVEGM[Pro1604Arg]SNLDSEVAWG

ClinVar aggregate classification (germline): Uncertain significance. Review status: criteria provided, multiple submitters, no conflicts (2 of 4 stars). 3 submissions from 3 submitters: Uncertain significance (2). 1 of the submissions does not count toward it. Last evaluated 2021-08-28.

Conditions:
Cardiomyopathy (CMYO). Also called: Cardiomyopathies. Identifiers: Orphanet 167848, MedGen C0878544, MONDO:0004994, HP:0001638. Inheritance: Various modes of inheritance.
Duchenne muscular dystrophy (DMD). Also called: MUSCULAR DYSTROPHY, PSEUDOHYPERTROPHIC PROGRESSIVE, DUCHENNE TYPE; Duchenne Muscular Dystrophy (DMD). Identifiers: Orphanet 98896, MedGen C0013264, MONDO:0010679, OMIM 310200.
Becker muscular dystrophy (BMD). Also called: Becker Muscular Dystrophy (BMD); MUSCULAR DYSTROPHY, PSEUDOHYPERTROPHIC PROGRESSIVE, BECKER TYPE. Identifiers: Orphanet 98895, MedGen C0917713, MONDO:0010311, OMIM 300376.
Dystrophin deficiency.

Allele frequency attached by ClinVar (database versions not stated): gnomAD 0.00001.
gnomAD v4.1: 6 of 1,208,740 alleles (0.0005%); highest among the groups gnomAD compares: Non-Finnish European, 0.00067%; no homozygotes.

Submissions (3):

Labcorp Genetics (formerly Invitae), Labcorp
Classification: Uncertain significance for Duchenne muscular dystrophy. Last evaluated: 2021-08-28. Review status: criteria provided, single submitter. Criteria: Invitae Variant Classification Sherloc (09022015). Collection method: clinical testing. Allele origin: germline.
Comment: This sequence change replaces proline with arginine at codon 1604 of the DMD protein (p.Pro1604Arg). The proline residue is highly conserved and there is a moderate physicochemical difference between proline and arginine. This variant is not present in population databases (ExAC no frequency). This variant has not been reported in the literature in individuals affected with DMD-related conditions. ClinVar contains an entry for this variant (Variation ID: 196896). Algorithms developed to predict the effect of missense changes on protein structure and function are either unavailable or do not agree on the potential impact of this missense change (SIFT: "Deleterious"; PolyPhen-2: "Possibly Damaging"; Align-GVGD: "Class C0"). In summary, the available evidence is currently insufficient to determine the role of this variant in disease. Therefore, it has been classified as a Variant of Uncertain Significance.

Eurofins Ntd Llc (ga)
Classification: Uncertain significance. Last evaluated: 2015-01-13. Review status: criteria provided, single submitter. Criteria: EGL Classification Definitions 2015. Collection method: clinical testing. Allele origin: germline. Observed: 1 variant allele, 1 heterozygote.

Natera, Inc.
Classification: Uncertain significance for Becker muscular dystrophy; Cardiomyopathy; Duchenne muscular dystrophy; Dystrophin deficiency. Last evaluated: 2018-11-13. Review status: no assertion criteria provided. Collection method: clinical testing. Allele origin: germline. Not counted in ClinVar's aggregate classification.